The following is an entry in ClinVar:

NM_001039348.3(EFEMP1):c.11C>A (p.Ala4Asp)

Gene: EFEMP1 (EGF-like fibulin extracellular matrix protein 1; minus strand). Cytogenetic location: 2p16.1.
Variant type: single nucleotide variant.
Coding change: c.11C>A on transcript NM_001039348.3 (MANE Select); coding-DNA position 11, C replaced by A.
Protein change: p.Ala4Asp; replaces alanine 4 with aspartic acid.
Molecular consequence: missense variant.
Genome position (GRCh38, 1-based): chr2:55,922,430, G>T on the plus strand (C>A on the coding strand, the complement: EFEMP1 is on the minus strand). VCF-style: chr2-55922430-G-T. GRCh37 (hg19) VCF-style: chr2-56149565-G-T.
Other names: c.11C>A, p.Ala4Asp (NM_001039349.3); short protein forms A4D.
Identifiers: ClinVar variation 2768493 (VCV002768493.3), dbSNP rs1490874020, ClinGen allele CA347027774.

ClinVar aggregate classification (germline): Uncertain significance (1 of 4 stars; one submission).

Allele frequency attached by ClinVar (database versions not stated): TOPMed below 0.00001.

Submission:

Labcorp Genetics (formerly Invitae), Labcorp
Classification: Uncertain significance. Last evaluated: 2023-10-23. Review status: criteria provided, single submitter. Criteria: Invitae Variant Classification Sherloc (09022015). Collection method: clinical testing. Allele origin: germline.
Comment: This sequence change replaces alanine, which is neutral and non-polar, with aspartic acid, which is acidic and polar, at codon 4 of the EFEMP1 protein (p.Ala4Asp). This variant is not present in population databases (gnomAD no frequency). This variant has not been reported in the literature in individuals affected with EFEMP1-related conditions. An algorithm developed to predict the effect of missense changes on protein structure and function (PolyPhen-2) suggests that this variant is likely to be tolerated. In summary, the available evidence is currently insufficient to determine the role of this variant in disease. Therefore, it has been classified as a Variant of Uncertain Significance.